The following is an entry in ClinVar:

ClinVar aggregate classification (germline): Benign/Likely benign. Review status: criteria provided, multiple submitters, no conflicts (2 of 4 stars). 4 submissions from 4 submitters: Benign (1); Likely benign (2). 1 of the submissions does not count toward it. Last evaluated 2024-05-31.

Conditions:
SHOX-related disorder. Also called: SHOX-related condition.

Allele frequency attached by ClinVar (database versions not stated): gnomAD 0.00006 and 0.00013; TOPMed 0.00012; 1000 Genomes Project 30x 0.00021; 1000 Genomes Project 0.00026.
gnomAD v4.1: 364 of 1,613,816 alleles (0.023%); highest among the groups gnomAD compares: South Asian, 0.31%; 1 homozygote.

Submissions (4):

Blueprint Genetics
Classification: Likely benign. Last evaluated: 2024-05-31. Review status: criteria provided, single submitter. Criteria: ACMG Guidelines, 2015. Collection method: clinical testing. Allele origin: germline.

Women's Health and Genetics/Laboratory Corporation of America, LabCorp
Classification: Likely benign. Last evaluated: 2022-09-23. Review status: criteria provided, single submitter. Criteria: LabCorp Variant Classification Summary - May 2015. Collection method: clinical testing. Allele origin: germline.

Athena Diagnostics
Classification: Benign. Last evaluated: 2019-12-31. Review status: criteria provided, single submitter. Criteria: Athena Diagnostics Criteria. Collection method: clinical testing. Allele origin: unknown.

PreventionGenetics, part of Exact Sciences
Classification: Likely benign for SHOX-related condition. Last evaluated: 2022-04-06. Review status: no assertion criteria provided. Collection method: clinical testing. Allele origin: germline. Not counted in ClinVar's aggregate classification.
Comment: This variant is classified as likely benign based on ACMG/AMP sequence variant interpretation guidelines (Richards et al. 2015 PMID: 25741868, with internal and published modifications).

NM_000451.4(SHOX):c.547G>A (p.Val183Ile)

Gene: SHOX (SHOX homeobox; plus strand). Cytogenetic location: Yp11.2.
Variant type: single nucleotide variant.
Coding change: c.547G>A on transcript NM_000451.4 (MANE Select); coding-DNA position 547, G replaced by A.
Protein change: p.Val183Ile; replaces valine 183 with isoleucine.
Molecular consequence: missense variant.
Genome position (GRCh38, 1-based): chrX:641,001, G>A. VCF-style: chrX-641001-G-A. GRCh37 (hg19) VCF-style: chrX-601736-G-A.
Other names: c.547G>A, p.Val183Ile (NM_006883.2); short protein forms V183I.
Identifiers: ClinVar variation 586578 (VCV000586578.6), dbSNP rs752189039, ClinGen allele CA10330058.